The following is an entry in ClinVar:

ClinVar aggregate classification (germline): Uncertain significance. Review status: criteria provided, multiple submitters, no conflicts (2 of 4 stars). 2 submissions from 2 submitters: Uncertain significance (2). Last evaluated 2025-06-17.

Conditions:
Inborn genetic diseases. Identifiers: MedGen C0950123, MeSH D030342.

Allele frequency attached by ClinVar (database versions not stated): ExAC 0.00001; gnomAD 0.00001; TOPMed 0.00001; gnomAD exomes 0.00002.
gnomAD v4.1: 35 of 1,613,082 alleles (0.0022%); highest among the groups gnomAD compares: Middle Eastern, 0.033%; no homozygotes.

Submissions (2):

Labcorp Genetics (formerly Invitae), Labcorp
Classification: Uncertain significance. Last evaluated: 2025-06-17. Review status: criteria provided, single submitter. Criteria: Invitae Variant Classification Sherloc (09022015). Collection method: clinical testing. Allele origin: germline.
Comment: This sequence change replaces alanine, which is neutral and non-polar, with threonine, which is neutral and polar, at codon 587 of the IARS2 protein (p.Ala587Thr). This variant is present in population databases (rs779672275, gnomAD 0.003%). This variant has not been reported in the literature in individuals affected with IARS2-related conditions. ClinVar contains an entry for this variant (Variation ID: 1482123). An algorithm developed to predict the effect of missense changes on protein structure and function (PolyPhen-2) suggests that this variant is likely to be disruptive. In summary, the available evidence is currently insufficient to determine the role of this variant in disease. Therefore, it has been classified as a Variant of Uncertain Significance.

Ambry Genetics
Classification: Uncertain significance for Inborn genetic diseases. Last evaluated: 2023-06-29. Review status: criteria provided, single submitter. Criteria: Ambry Variant Classification Scheme 2023. Collection method: clinical testing. Allele origin: germline.

NM_018060.4(IARS2):c.1759G>A (p.Ala587Thr)

Gene: IARS2 (isoleucyl-tRNA synthetase 2, mitochondrial; plus strand). Cytogenetic location: 1q41.
Variant type: single nucleotide variant.
Coding change: c.1759G>A on transcript NM_018060.4 (MANE Select); coding-DNA position 1759, G replaced by A.
Protein change: p.Ala587Thr; replaces alanine 587 with threonine.
Molecular consequence: missense variant.
Genome position (GRCh38, 1-based): chr1:220,126,765, G>A. VCF-style: chr1-220126765-G-A. GRCh37 (hg19) VCF-style: chr1-220300107-G-A.
Other names: c.1759G>A (NM_018060.3); short protein forms A587T.
Identifiers: ClinVar variation 1482123 (VCV001482123.7), dbSNP rs779672275, ClinGen allele CA1401579.
Genomic context (GRCh38, chr1:220,126,765, plus strand): 5'-TTGTGATCTTTGTGTACCTGACATGCTTTTGCATTATCTTACTAGGTTGGTGGCCCTGAT[G>A]CCTTGGAATATGTGCCAGGTCAGGATATTTTGGACATCTGGTTTGATAGCGGAACTTCAT-3'
Protein context (NP_060530.3, residues 577-597): EVLSEVGGPD[Ala587Thr]LEYVPGQDIL